The following is an entry in ClinVar:

ClinVar aggregate classification (germline): Pathogenic (1 of 4 stars; one submission).

Submission:

Labcorp Genetics (formerly Invitae), Labcorp
Classification: Pathogenic. Last evaluated: 2022-08-16. Review status: criteria provided, single submitter. Criteria: Invitae Variant Classification Sherloc (09022015). Collection method: clinical testing. Allele origin: germline.
Comment: For these reasons, this variant has been classified as Pathogenic. This variant has not been reported in the literature in individuals affected with LOXHD1-related conditions. This variant is a gross deletion of the genomic region encompassing exon(s) 34-35 of the LOXHD1 gene. This deletion is out-of-frame, and is expected to create a premature termination codon and result in an absent or disrupted protein product. Loss-of-function variants in LOXHD1 are known to be pathogenic (PMID: 19732867, 21465660, 25792669).

Literature cited by the submitters: PubMed 19732867; PubMed 21465660; PubMed 25792669.

NC_000018.9:g.(?_44087491)_(44089788_?)del

Gene: LOXHD1 (lipoxygenase homology PLAT domains 1; minus strand). Cytogenetic location: 18q21.1.
Variant type: Deletion.
Identifiers: ClinVar variation 1075237 (VCV001075237.6).